The following is an entry in ClinVar:

NM_001394062.1(MACF1):c.15614T>G (p.Leu5205Arg)

Gene: MACF1 (microtubule actin crosslinking factor 1; plus strand). Cytogenetic location: 1p34.3.
Variant type: single nucleotide variant.
Coding change: c.15614T>G on transcript NM_001394062.1 (MANE Select); coding-DNA position 15614, T replaced by G.
Protein change: p.Leu5205Arg; replaces leucine 5205 with arginine.
Molecular consequence: missense variant.
Genome position (GRCh38, 1-based): chr1:39,388,456, T>G. VCF-style: chr1-39388456-T-G. GRCh37 (hg19) VCF-style: chr1-39854128-T-G.
Other names: c.9428T>G, p.Leu3143Arg (NM_012090.5); short protein forms L3143R, L5205R.
Identifiers: ClinVar variation 2630535 (VCV002630535.1), dbSNP rs760893630, ClinGen allele CA782422.

ClinVar aggregate classification (germline): Uncertain significance (1 of 4 stars; one submission).

Conditions:
MACF1-related disorder. Also called: MACF1-related condition.

Allele frequency attached by ClinVar (database versions not stated): ExAC 0.00001.
gnomAD v4.1: 1 of 1,614,070 alleles (0.000062%); highest among the groups gnomAD compares: Non-Finnish European, 0.000085%; no homozygotes.

Submission:

PreventionGenetics, part of Exact Sciences
Classification: Uncertain significance for MACF1-related condition. Last evaluated: 2023-02-07. Review status: criteria provided, single submitter. Criteria: ACMG Guidelines, 2015. Collection method: clinical testing. Allele origin: germline.
Comment: The MACF1 c.9428T>G variant is predicted to result in the amino acid substitution p.Leu3143Arg. To our knowledge, this variant has not been reported in the literature. This variant is reported in 0.00088% of alleles in individuals of European (Non-Finnish) descent in gnomAD. At this time, the clinical significance of this variant is uncertain due to the absence of conclusive functional and genetic evidence.